The following is an entry in ClinVar:

NM_004946.3(DOCK2):c.4408G>T (p.Val1470Leu)

Gene: DOCK2 (dedicator of cytokinesis 2; plus strand). Cytogenetic location: 5q35.1.
Variant type: single nucleotide variant.
Coding change: c.4408G>T on transcript NM_004946.3 (MANE Select); coding-DNA position 4408, G replaced by T.
Protein change: p.Val1470Leu; replaces valine 1470 with leucine.
Molecular consequence: missense variant. On other transcripts: non-coding transcript variant (1).
Genome position (GRCh38, 1-based): chr5:170,057,607, G>T. VCF-style: chr5-170057607-G-T. GRCh37 (hg19) VCF-style: chr5-169484611-G-T.
Other names: short protein forms V1470L.
Identifiers: ClinVar variation 1053805 (VCV001053805.9), dbSNP rs143595882, ClinGen allele CA362110953.

ClinVar aggregate classification (germline): Uncertain significance (1 of 4 stars; one submission).

Conditions:
DOCK2 deficiency. Also called: Immunodeficiency 40. Identifiers: Orphanet 447737, MedGen C4225328, MONDO:0014637, OMIM 616433.

gnomAD v4.1: 4 of 1,614,130 alleles (0.00025%); highest among the groups gnomAD compares: East Asian, 0.0045%; no homozygotes.

Submission:

Labcorp Genetics (formerly Invitae), Labcorp
Classification: Uncertain significance for DOCK2 deficiency. Last evaluated: 2024-12-16. Review status: criteria provided, single submitter. Criteria: Invitae Variant Classification Sherloc (09022015). Collection method: clinical testing. Allele origin: germline.
Comment: This sequence change replaces valine, which is neutral and non-polar, with leucine, which is neutral and non-polar, at codon 1470 of the DOCK2 protein (p.Val1470Leu). This variant is present in population databases (no rsID available, gnomAD 0.02%). This variant has not been reported in the literature in individuals affected with DOCK2-related conditions. ClinVar contains an entry for this variant (Variation ID: 1053805). An algorithm developed to predict the effect of missense changes on protein structure and function outputs the following: PolyPhen-2: "Benign". The leucine amino acid residue is found in multiple mammalian species, which suggests that this missense change does not adversely affect protein function. In summary, the available evidence is currently insufficient to determine the role of this variant in disease. Therefore, it has been classified as a Variant of Uncertain Significance.